The following is an entry in ClinVar:

NM_001113378.2(FANCI):c.3256-8_3256-4del

Gene: FANCI (FA complementation group I; plus strand). Cytogenetic location: 15q26.1.
Variant type: Microsatellite.
Coding change: c.3256-8_3256-4del on transcript NM_001113378.2 (MANE Select); 8 bases into the intron before coding-DNA position 3256 through 4 bases into the intron before coding-DNA position 3256, 5 bases deleted (TCTTT; older notation c.3256-8_3256-4delTCTTT).
Molecular consequence: intron variant.
Genome position (GRCh38, 1-based): chr15:89,305,597-89,305,601, TCTTT deleted; deleting any 5 consecutive bases within chr15:89,305,592-89,305,601 gives the same sequence; the c. name uses the placement nearest the transcript's 3' end. VCF-style (leftmost placement, unchanged base first): chr15-89305591-CTCTTT-C. GRCh37 (hg19) VCF-style: chr15-89848822-CTCTTT-C.
Other names: c.3076-8_3076-4del (NM_018193.3); c.3256-8_3256-4del (NM_001376911.1); c.2977-8_2977-4del (NM_001376910.1).
Identifiers: ClinVar variation 1953065 (VCV001953065.5), dbSNP rs2508456818, ClinGen allele CA2580613310.

ClinVar aggregate classification (germline): Uncertain significance (1 of 4 stars; one submission).

Conditions:
Fanconi anemia (FA). Also called: Fanconi's anemia. Identifiers: Orphanet 84, MedGen C0015625, MeSH D005199, MONDO:0019391.

Submission:

Labcorp Genetics (formerly Invitae), Labcorp
Classification: Uncertain significance for Fanconi anemia. Last evaluated: 2022-04-24. Review status: criteria provided, single submitter. Criteria: Invitae Variant Classification Sherloc (09022015). Collection method: clinical testing. Allele origin: germline.
Comment: In summary, the available evidence is currently insufficient to determine the role of this variant in disease. Therefore, it has been classified as a Variant of Uncertain Significance. Algorithms developed to predict the effect of sequence changes on RNA splicing suggest that this variant may disrupt the consensus splice site. This variant has not been reported in the literature in individuals affected with FANCI-related conditions. This variant is not present in population databases (gnomAD no frequency). This sequence change falls in intron 30 of the FANCI gene. It does not directly change the encoded amino acid sequence of the FANCI protein.